The following is an entry in ClinVar:

ClinVar aggregate classification (germline): Uncertain significance. Review status: criteria provided, multiple submitters, no conflicts (2 of 4 stars). 4 submissions from 4 submitters: Uncertain significance (4). Last evaluated 2026-07-01.

Conditions:
Charcot-Marie-Tooth disease type 4B3. Also called: CHARCOT-MARIE-TOOTH DISEASE, DEMYELINATING, TYPE 4B3; Charcot-Marie-Tooth Neuropathy Type 4B3. Identifiers: Orphanet 363981, MedGen C3695063, MONDO:0014117, OMIM 615284.

Allele frequency attached by ClinVar (database versions not stated): gnomAD 0.00003 and 0.00004; TOPMed 0.00003; gnomAD exomes 0.00004 and 0.00010; ExAC 0.00005; ESP Exome Variant Server 0.00008.
gnomAD v4.1: 166 of 1,614,028 alleles (0.01%); highest among the groups gnomAD compares: Non-Finnish European, 0.013%; no homozygotes.

Submissions (4):

CeGaT Center for Human Genetics Tuebingen
Classification: Uncertain significance. Last evaluated: 2026-07-01. Review status: criteria provided, single submitter. Criteria: CeGaT Center For Human Genetics Tuebingen Variant Classification Criteria Version 2. Collection method: clinical testing. Allele origin: germline. Affected: yes. Observed: 2 variant alleles.
Comment: SBF1: PM2

Ambry Genetics
Classification: Uncertain significance. Last evaluated: 2024-11-10. Review status: criteria provided, single submitter. Criteria: Ambry Variant Classification Scheme 2023. Collection method: clinical testing. Allele origin: germline.

Labcorp Genetics (formerly Invitae), Labcorp
Classification: Uncertain significance. Last evaluated: 2021-08-28. Review status: criteria provided, single submitter. Criteria: Invitae Variant Classification Sherloc (09022015). Collection method: clinical testing. Allele origin: germline.
Comment: This sequence change replaces valine with leucine at codon 566 of the SBF1 protein (p.Val566Leu). The valine residue is moderately conserved and there is a small physicochemical difference between valine and leucine. This variant is present in population databases (rs374194474, ExAC 0.009%). This variant has not been reported in the literature in individuals affected with SBF1-related conditions. ClinVar contains an entry for this variant (Variation ID: 1030607). Algorithms developed to predict the effect of missense changes on protein structure and function are either unavailable or do not agree on the potential impact of this missense change (SIFT: "Tolerated"; PolyPhen-2: "Probably Damaging"; Align-GVGD: "Class C0"). In summary, the available evidence is currently insufficient to determine the role of this variant in disease. Therefore, it has been classified as a Variant of Uncertain Significance.

Baylor Genetics
Classification: Uncertain significance for Charcot-Marie-Tooth disease type 4B3. Last evaluated: 2019-03-27. Review status: criteria provided, single submitter. Criteria: ACMG Guidelines, 2015. Collection method: clinical testing. Allele origin: maternal. Affected: yes.
Comment: This variant was determined to be of uncertain significance according to ACMG Guidelines, 2015 [PMID:25741868].

NM_002972.4(SBF1):c.1696G>T (p.Val566Leu)

Gene: SBF1 (SET binding factor 1; minus strand). Cytogenetic location: 22q13.33.
Variant type: single nucleotide variant.
Coding change: c.1696G>T on transcript NM_002972.4 (MANE Select); coding-DNA position 1696, G replaced by T.
Protein change: p.Val566Leu; replaces valine 566 with leucine.
Molecular consequence: missense variant.
Genome position (GRCh38, 1-based): chr22:50,464,382, C>A on the plus strand (G>T on the coding strand, the complement: SBF1 is on the minus strand). VCF-style: chr22-50464382-C-A. GRCh37 (hg19) VCF-style: chr22-50902811-C-A.
Other names: c.1699G>T, p.Val567Leu (NM_001365819.1); short protein forms V566L, V567L.
Identifiers: ClinVar variation 1030607 (VCV001030607.15), dbSNP rs374194474, ClinGen allele CA10317558.